The following is an entry in ClinVar:

ClinVar aggregate classification (germline): Uncertain significance. Review status: criteria provided, multiple submitters, no conflicts (2 of 4 stars). 3 submissions from 3 submitters: Uncertain significance (3). Last evaluated 2024-09-03.

Conditions:
Hyperkalemic periodic paralysis. Also called: Familial hyperkalemic periodic paralysis; Gamstorp disease. Identifiers: Orphanet 682, MedGen C0238357, MONDO:0008224, OMIM 170500, HP:0007215.

Allele frequency attached by ClinVar (database versions not stated): gnomAD exomes below 0.00001.

Submissions (3):

Labcorp Genetics (formerly Invitae), Labcorp
Classification: Uncertain significance for Hyperkalemic periodic paralysis. Last evaluated: 2024-09-03. Review status: criteria provided, single submitter. Criteria: Invitae Variant Classification Sherloc (09022015). Collection method: clinical testing. Allele origin: germline.
Comment: This sequence change replaces lysine, which is basic and polar, with arginine, which is basic and polar, at codon 126 of the SCN4A protein (p.Lys126Arg). This variant is not present in population databases (gnomAD no frequency). This variant has not been reported in the literature in individuals affected with SCN4A-related conditions. ClinVar contains an entry for this variant (Variation ID: 1691629). Invitae Evidence Modeling of protein sequence and biophysical properties (such as structural, functional, and spatial information, amino acid conservation, physicochemical variation, residue mobility, and thermodynamic stability) indicates that this missense variant is not expected to disrupt SCN4A protein function with a negative predictive value of 95%. In summary, the available evidence is currently insufficient to determine the role of this variant in disease. Therefore, it has been classified as a Variant of Uncertain Significance.

Revvity Omics, Revvity
Classification: Uncertain significance. Last evaluated: 2024-02-07. Review status: criteria provided, single submitter. Criteria: ACMG Guidelines, 2015. Collection method: clinical testing. Allele origin: germline.

GeneDx
Classification: Uncertain significance. Last evaluated: 2023-07-24. Review status: criteria provided, single submitter. Criteria: GeneDx Variant Classification Process June 2021. Collection method: clinical testing. Allele origin: germline. Affected: yes.
Comment: Not observed at significant frequency in large population cohorts (gnomAD); In silico analysis supports that this missense variant does not alter protein structure/function; Has not been previously published as pathogenic or benign to our knowledge

NM_000334.4(SCN4A):c.377A>G (p.Lys126Arg)

Gene: SCN4A (sodium voltage-gated channel alpha subunit 4; minus strand). Cytogenetic location: 17q23.3.
Variant type: single nucleotide variant.
Coding change: c.377A>G on transcript NM_000334.4 (MANE Select); coding-DNA position 377, A replaced by G.
Protein change: p.Lys126Arg; replaces lysine 126 with arginine.
Molecular consequence: missense variant.
Genome position (GRCh38, 1-based): chr17:63,972,367, T>C on the plus strand (A>G on the coding strand, the complement: SCN4A is on the minus strand). VCF-style: chr17-63972367-T-C. GRCh37 (hg19) VCF-style: chr17-62049727-T-C.
Other names: short protein forms K126R.
Identifiers: ClinVar variation 1691629 (VCV001691629.7), dbSNP rs1909639891, ClinGen allele CA400639881.